The following is an entry in ClinVar:

ClinVar aggregate classification (germline): Uncertain significance (1 of 4 stars; one submission).

Conditions:
Long QT syndrome (LQTS). Identifiers: MedGen C0023976, MeSH D008133, MONDO:0002442. Disease mechanism: loss of function. Inheritance: Various modes of inheritance.

Submission:

Labcorp Genetics (formerly Invitae), Labcorp
Classification: Uncertain significance for Long QT syndrome. Last evaluated: 2025-05-18. Review status: criteria provided, single submitter. Criteria: Invitae Variant Classification Sherloc (09022015). Collection method: clinical testing. Allele origin: germline.
Comment: This sequence change replaces histidine, which is basic and polar, with proline, which is neutral and non-polar, at codon 147 of the KCNH2 protein (p.His147Pro). This variant is not present in population databases (gnomAD no frequency). This variant has not been reported in the literature in individuals affected with KCNH2-related conditions. An algorithm developed to predict the effect of missense changes on protein structure and function (PolyPhen-2) suggests that this variant is likely to be tolerated. In summary, the available evidence is currently insufficient to determine the role of this variant in disease. Therefore, it has been classified as a Variant of Uncertain Significance.

NM_000238.4(KCNH2):c.440A>C (p.His147Pro)

Gene: KCNH2 (potassium voltage-gated channel subfamily H member 2; minus strand). Cytogenetic location: 7q36.1.
Variant type: single nucleotide variant.
Coding change: c.440A>C on transcript NM_000238.4 (MANE Select); coding-DNA position 440, A replaced by C.
Protein change: p.His147Pro; replaces histidine 147 with proline.
Molecular consequence: missense variant. On other transcripts: non-coding transcript variant (1).
Genome position (GRCh38, 1-based): chr7:150,959,604, T>G on the plus strand (A>C on the coding strand, the complement: KCNH2 is on the minus strand). VCF-style: chr7-150959604-T-G. GRCh37 (hg19) VCF-style: chr7-150656692-T-G.
Other names: c.152A>C, p.His51Pro (NM_001406753.1, NM_001406756.1); c.263A>C, p.His88Pro (NM_001406755.1); c.140A>C, p.His47Pro (NM_001406757.1); c.440A>C, p.His147Pro (NM_172056.3); short protein forms H147P, H47P, H51P, H88P.
Identifiers: ClinVar variation 4805861 (VCV004805861.1).